The following is an entry in ClinVar:

NM_018429.3(BDP1):c.2638A>G (p.Arg880Gly)

Gene: BDP1 (BDP1 general transcription factor IIIB subunit; plus strand). Cytogenetic location: 5q13.2.
Variant type: single nucleotide variant.
Coding change: c.2638A>G on transcript NM_018429.3 (MANE Select); coding-DNA position 2638, A replaced by G.
Protein change: p.Arg880Gly; replaces arginine 880 with glycine.
Molecular consequence: missense variant.
Genome position (GRCh38, 1-based): chr5:71,509,730, A>G. VCF-style: chr5-71509730-A-G. GRCh37 (hg19) VCF-style: chr5-70805557-A-G.
Other names: c.2638A>G (NM_018429.2); short protein forms R880G.
Identifiers: ClinVar variation 2571224 (VCV002571224.28), dbSNP rs200169120, ClinGen allele CA3296340.
Genomic context (GRCh38, chr5:71,509,730, plus strand): 5'-ATGGTACCAGCAGAGATTAATACTAAAGAAATGCAGTCAGATTTAAAAGAAACTGGAAGA[A>G]GAGCCATTTCTCCCAGGGAGAAGATTCTAGATGTGATTGATGACACCATAGAAATGGAGA-3'
Protein context (NP_060899.2, residues 870-890): MQSDLKETGR[Arg880Gly]AISPREKILD

ClinVar aggregate classification (germline): Uncertain significance. Review status: criteria provided, multiple submitters, no conflicts (2 of 4 stars). 3 submissions from 3 submitters: Uncertain significance (3). Last evaluated 2025-09-26.

Conditions:
BDP1-related disorder. Also called: BDP1-related condition.

Allele frequency attached by ClinVar (database versions not stated): ExAC 0.00003; gnomAD 0.00004; TOPMed 0.00005; gnomAD exomes 0.00009; ESP Exome Variant Server 0.00034.
gnomAD v4.1: 156 of 1,614,034 alleles (0.0097%); highest among the groups gnomAD compares: Non-Finnish European, 0.012%; no homozygotes.

Submissions (3):

Ambry Genetics
Classification: Uncertain significance. Last evaluated: 2025-09-26. Review status: criteria provided, single submitter. Criteria: Ambry Variant Classification Scheme 2023. Collection method: clinical testing. Allele origin: germline.

PreventionGenetics, part of Exact Sciences
Classification: Uncertain significance for BDP1-related condition. Last evaluated: 2025-07-30. Review status: criteria provided, single submitter. Criteria: ACMG Guidelines, 2015. Collection method: clinical testing. Allele origin: germline.
Comment: The BDP1 c.2638A>G variant is predicted to result in the amino acid substitution p.Arg880Gly. To our knowledge, this variant has not been reported in the literature. This variant is reported in 0.0055% of alleles in individuals of European (Non-Finnish) descent in gnomAD. At this time, the clinical significance of this variant is uncertain due to the absence of conclusive functional and genetic evidence.

CeGaT Center for Human Genetics Tuebingen
Classification: Uncertain significance. Last evaluated: 2023-05-01. Review status: criteria provided, single submitter. Criteria: CeGaT Center For Human Genetics Tuebingen Variant Classification Criteria Version 2. Collection method: clinical testing. Allele origin: germline. Affected: yes. Observed: 1 variant allele.
Comment: BDP1: PM2, BP4